The following is an entry in ClinVar:

NM_001277115.2(DNAH11):c.10267C>A (p.Pro3423Thr)

Gene: DNAH11 (dynein axonemal heavy chain 11; plus strand). Cytogenetic location: 7p15.3.
Variant type: single nucleotide variant.
Coding change: c.10267C>A on transcript NM_001277115.2 (MANE Select); coding-DNA position 10267, C replaced by A.
Protein change: p.Pro3423Thr; replaces proline 3423 with threonine.
Molecular consequence: missense variant.
Genome position (GRCh38, 1-based): chr7:21,807,984, C>A. VCF-style: chr7-21807984-C-A. GRCh37 (hg19) VCF-style: chr7-21847602-C-A.
Other names: c.10288C>A, p.Pro3430Thr (NM_003777.3); short protein forms P3423T, P3430T.
Identifiers: ClinVar variation 1769465 (VCV001769465.2), dbSNP rs2535331524, ClinGen allele CA366946328.

ClinVar aggregate classification (germline): Uncertain significance (1 of 4 stars; one submission).

Conditions:
Primary ciliary dyskinesia. Also called: Ciliary dyskinesia. Identifiers: Orphanet 244, MedGen C0008780, MONDO:0016575, HP:0012265.

Allele frequency attached by ClinVar (database versions not stated): gnomAD exomes below 0.00001.
gnomAD v4.1: 3 of 1,601,902 alleles (0.00019%); highest among the groups gnomAD compares: Non-Finnish European, 0.00026%; no homozygotes.

Submission:

Ambry Genetics
Classification: Uncertain significance for Primary ciliary dyskinesia. Last evaluated: 2022-07-03. Review status: criteria provided, single submitter. Criteria: Ambry Variant Classification Scheme 2023. Collection method: clinical testing. Allele origin: germline.
Comment: The p.P3423T variant (also known as c.10267C>A), located in coding exon 63 of the DNAH11 gene, results from a C to A substitution at nucleotide position 10267. The proline at codon 3423 is replaced by threonine, an amino acid with highly similar properties. This amino acid position is conserved. In addition, this alteration is predicted to be tolerated by in silico analysis. Since supporting evidence is limited at this time, the clinical significance of this alteration remains unclear.